The following is an entry in ClinVar:

NM_000360.4(TH):c.108G>A (p.Gly36=)

Gene: TH (tyrosine hydroxylase; minus strand). Cytogenetic location: 11p15.5.
Variant type: single nucleotide variant.
Coding change: c.108G>A on transcript NM_000360.4 (MANE Select); coding-DNA position 108, G replaced by A.
Protein change: p.Gly36=; no amino-acid change (glycine 36 retained).
Molecular consequence: synonymous variant.
Genome position (GRCh38, 1-based): chr11:2,169,854, C>T on the plus strand (G>A on the coding strand, the complement: TH is on the minus strand). VCF-style: chr11-2169854-C-T. GRCh37 (hg19) VCF-style: chr11-2191084-C-T.
Other names: c.201G>A, p.Gly67= (NM_199292.3); c.189G>A, p.Gly63= (NM_199293.3); c.201G>A (NM_199292.2).
Identifiers: ClinVar variation 1145659 (VCV001145659.12), dbSNP rs372002058, ClinGen allele CA5818792.

ClinVar aggregate classification (germline): Likely benign. Review status: criteria provided, multiple submitters, no conflicts (2 of 4 stars). 3 submissions from 3 submitters: Likely benign (2). 1 of the submissions does not count toward it. Last evaluated 2025-10-31.

Conditions:
TH-related disorder. Also called: TH-related condition.
TH-deficient dopa-responsive dystonia. Also called: DYT-TH; Tyrosine Hydroxylase-Deficient Dopa-Responsive Dystonia; Segawa syndrome, autosomal recessive. Identifiers: Orphanet 101150, MedGen C2673535, MONDO:0011551, OMIM 605407.

Allele frequency attached by ClinVar (database versions not stated): ESP Exome Variant Server 0.00008; gnomAD exomes 0.00008 and 0.00013; ExAC 0.00009; gnomAD 0.00012 and 0.00013; TOPMed 0.00015.
gnomAD v4.1: 204 of 1,609,982 alleles (0.013%); highest among the groups gnomAD compares: Non-Finnish European, 0.016%; no homozygotes.

Submissions (3):

Labcorp Genetics (formerly Invitae), Labcorp
Classification: Likely benign for TH-deficient dopa-responsive dystonia. Last evaluated: 2025-10-31. Review status: criteria provided, single submitter. Criteria: Invitae Variant Classification Sherloc (09022015). Collection method: clinical testing. Allele origin: germline.

Blueprint Genetics
Classification: Likely benign. Last evaluated: 2022-10-14. Review status: criteria provided, single submitter. Criteria: ACMG Guidelines, 2015. Collection method: clinical testing. Allele origin: germline.

PreventionGenetics, part of Exact Sciences
Classification: Likely benign for TH-related condition. Last evaluated: 2019-04-10. Review status: no assertion criteria provided. Collection method: clinical testing. Allele origin: germline. Not counted in ClinVar's aggregate classification.
Comment: This variant is classified as likely benign based on ACMG/AMP sequence variant interpretation guidelines (Richards et al. 2015 PMID: 25741868, with internal and published modifications).